The following is an entry in ClinVar:

NM_001105206.3(LAMA4):c.4405G>A (p.Ala1469Thr)

Gene: LAMA4 (laminin subunit alpha 4; minus strand). Cytogenetic location: 6q21.
Variant type: single nucleotide variant.
Coding change: c.4405G>A on transcript NM_001105206.3 (MANE Select); coding-DNA position 4405, G replaced by A.
Protein change: p.Ala1469Thr; replaces alanine 1469 with threonine.
Molecular consequence: missense variant.
Genome position (GRCh38, 1-based): chr6:112,122,084, C>T on the plus strand (G>A on the coding strand, the complement: LAMA4 is on the minus strand). VCF-style: chr6-112122084-C-T. GRCh37 (hg19) VCF-style: chr6-112443287-C-T.
Other names: c.4384G>A, p.Ala1462Thr (NM_001105207.3, NM_002290.5); short protein forms A1462T, A1469T.
Identifiers: ClinVar variation 178995 (VCV000178995.25), dbSNP rs727504595, ClinGen allele CA295815.

ClinVar aggregate classification (germline): Conflicting classifications of pathogenicity. Review status: criteria provided, conflicting classifications (1 of 4 stars). 4 submissions from 4 submitters: Uncertain significance (3); Likely benign (1). Last evaluated 2025-12-17.

Conditions:
Cardiovascular phenotype. Identifiers: MedGen CN230736.
Dilated cardiomyopathy 1JJ (CMD1JJ). Identifiers: Orphanet 154, MedGen C3808935, MONDO:0014095, OMIM 615235.
Cardiomyopathy (CMYO). Also called: Cardiomyopathies. Identifiers: Orphanet 167848, MedGen C0878544, MONDO:0004994, HP:0001638. Inheritance: Various modes of inheritance.

Allele frequency attached by ClinVar (database versions not stated): gnomAD exomes 0.00006 and 0.00010; ExAC 0.00007; gnomAD 0.00008 and 0.00009; TOPMed 0.00008.
gnomAD v4.1: 164 of 1,613,882 alleles (0.01%); highest among the groups gnomAD compares: Middle Eastern, 0.017%; 1 homozygote.

Submissions (4):

Labcorp Genetics (formerly Invitae), Labcorp
Classification: Uncertain significance for Dilated cardiomyopathy 1JJ. Last evaluated: 2025-12-17. Review status: criteria provided, single submitter. Criteria: Invitae Variant Classification Sherloc (09022015). Collection method: clinical testing. Allele origin: germline.
Comment: This sequence change replaces alanine, which is neutral and non-polar, with threonine, which is neutral and polar, at codon 1462 of the LAMA4 protein (p.Ala1462Thr). This variant is present in population databases (rs727504595, gnomAD 0.02%). This missense change has been observed in individual(s) with left ventricular non-compaction (LVNC) (PMID: 28798025). ClinVar contains an entry for this variant (Variation ID: 178995). Invitae Evidence Modeling of protein sequence and biophysical properties (such as structural, functional, and spatial information, amino acid conservation, physicochemical variation, residue mobility, and thermodynamic stability) has been performed for this missense variant. However, the output from this modeling did not meet the statistical confidence thresholds required to predict the impact of this variant on LAMA4 protein function. In summary, the available evidence is currently insufficient to determine the role of this variant in disease. Therefore, it has been classified as a Variant of Uncertain Significance.

Ambry Genetics
Classification: Likely benign for Cardiovascular phenotype. Last evaluated: 2019-12-19. Review status: criteria provided, single submitter. Criteria: Ambry Variant Classification Scheme 2023. Collection method: clinical testing. Allele origin: germline.

CHEO Genetics Diagnostic Laboratory, Children's Hospital of Eastern Ontario
Classification: Uncertain significance for Cardiomyopathy. Last evaluated: 2017-08-28. Review status: criteria provided, single submitter. Criteria: ACMG Guidelines, 2015. Collection method: clinical testing. Allele origin: germline. Study: Canadian Open Genetics Repository.

Laboratory for Molecular Medicine, Mass General Brigham Personalized Medicine
Classification: Uncertain significance. Last evaluated: 2013-06-14. Review status: criteria provided, single submitter. Criteria: LMM Criteria. Collection method: clinical testing. Allele origin: germline. Observed: 2 variant alleles.
Comment: Computational analyses (bioche mical amino acid properties, conservation, AlignGVGD, PolyPhen2, and SIFT) do no t provide strong support for or against an impact to the protein. Additional inf ormation is needed to fully assess the clinical significance of this variant.

Literature cited by the submitters: PubMed 28798025 (cited by Labcorp Genetics (formerly Invitae), Labcorp and Ambry Genetics); PubMed 24463507 (cited by Ambry Genetics).